The following is an entry in ClinVar:

ClinVar aggregate classification (germline): Uncertain significance (1 of 4 stars; one submission).

Allele frequency attached by ClinVar (database versions not stated): gnomAD 0.00001.
gnomAD v4.1: 1 of 1,612,814 alleles (0.000062%); highest among the groups gnomAD compares: African/African-American, 0.0013%; no homozygotes.

Submission:

Ambry Genetics
Classification: Uncertain significance. Last evaluated: 2025-09-21. Review status: criteria provided, single submitter. Criteria: Ambry Variant Classification Scheme 2023. Collection method: clinical testing. Allele origin: germline.
Comment: The p.V383G variant (also known as c.1148T>G), located in coding exon 9 of the RECQL gene, results from a T to G substitution at nucleotide position 1148. The valine at codon 383 is replaced by glycine, an amino acid with dissimilar properties. This amino acid position is highly conserved in available vertebrate species. In addition, this alteration is predicted to be deleterious by in silico analysis. Since supporting evidence is limited at this time, the clinical significance of this alteration remains unclear.

NM_002907.4(RECQL):c.1148T>G (p.Val383Gly)

Gene: RECQL (RecQ like helicase; minus strand). Cytogenetic location: 12p12.1.
Variant type: single nucleotide variant.
Coding change: c.1148T>G on transcript NM_002907.4 (MANE Select); coding-DNA position 1148, T replaced by G.
Protein change: p.Val383Gly; replaces valine 383 with glycine.
Molecular consequence: missense variant.
Genome position (GRCh38, 1-based): chr12:21,475,536, A>C on the plus strand (T>G on the coding strand, the complement: RECQL is on the minus strand). VCF-style: chr12-21475536-A-C. GRCh37 (hg19) VCF-style: chr12-21628470-A-C.
Other names: c.1148T>G, p.Val383Gly (NM_032941.3); short protein forms V383G.
Identifiers: ClinVar variation 1733139 (VCV001733139.4), dbSNP rs1943068157, ClinGen allele CA384119874.